The following is an entry in ClinVar:

NM_002547.3(OPHN1):c.1362-17A>G

Gene: OPHN1 (oligophrenin 1; minus strand). Cytogenetic location: Xq12.
Variant type: single nucleotide variant.
Coding change: c.1362-17A>G on transcript NM_002547.3 (MANE Select); 17 bases into the intron before coding-DNA position 1362, A replaced by G.
Molecular consequence: intron variant.
Genome position (GRCh38, 1-based): chrX:68,113,256, T>C on the plus strand (A>G on the coding strand, the complement: OPHN1 is on the minus strand). VCF-style: chrX-68113256-T-C. GRCh37 (hg19) VCF-style: chrX-67333098-T-C.
Identifiers: ClinVar variation 3712863 (VCV003712863.3).

ClinVar aggregate classification (germline): Benign/Likely benign. Review status: criteria provided, multiple submitters, no conflicts (2 of 4 stars). 2 submissions from 2 submitters: Benign (1); Likely benign (1). Last evaluated 2025-05-18.

gnomAD v4.1: 13 of 1,189,204 alleles (0.0011%); highest among the groups gnomAD compares: African/African-American, 0.021%; no homozygotes.

Submissions (2):

Labcorp Genetics (formerly Invitae), Labcorp
Classification: Likely benign. Last evaluated: 2025-05-18. Review status: criteria provided, single submitter. Criteria: Invitae Variant Classification Sherloc (09022015). Collection method: clinical testing. Allele origin: germline.

Women's Health and Genetics/Laboratory Corporation of America, LabCorp
Classification: Benign. Last evaluated: 2024-12-16. Review status: criteria provided, single submitter. Criteria: LabCorp Variant Classification Summary - May 2015. Collection method: clinical testing. Allele origin: germline.
Comment: Variant summary: OPHN1 c.1362-17A>G alters a non-conserved nucleotide located at a position not widely known to affect splicing. Consensus agreement among computation tools predict no significant impact on normal splicing. However, these predictions have yet to be confirmed by functional studies. The variant allele was found at a frequency of 1.1e-05 in 1189204 control chromosomes in the gnomAD database, including 4 hemizygotes. This frequency is not significantly higher than estimated for a pathogenic variant in OPHN1 causing X-Linked Intellectual Disability-Cerebellar Hypoplasia Syndrome, however this number of hemizygous controls is inconsistent with disease onset and severity for OPHN1-related conditions. To our knowledge, no occurrence of c.1362-17A>G in individuals affected with X-Linked Intellectual Disability-Cerebellar Hypoplasia Syndrome and no experimental evidence demonstrating its impact on protein function have been reported. No submitters have cited clinical-significance assessments for this variant to ClinVar. Based on the evidence outlined above, the variant was classified as benign.